The following is an entry in ClinVar:

ClinVar aggregate classification (germline): Uncertain significance (1 of 4 stars; one submission).

Submission:

Dasa
Classification: Uncertain significance. Last evaluated: 2025-10-14. Review status: criteria provided, single submitter. Criteria: DASA Assertion Criteria. Collection method: clinical testing. Allele origin: germline.
Comment: NM_002063.4(GLRA2):c.494+9C>A is a splice-region variant. This variant is rare in population databases. Computational prediction algorithms are consistent with a benign effect. The currently available literature and clinical evidence are not sufficient to establish a definitive association between this variant and the reported condition. Therefore, this variant is classified as a variant of uncertain significance.

NM_002063.4(GLRA2):c.494+9C>A

Gene: GLRA2 (glycine receptor alpha 2; plus strand). Cytogenetic location: Xp22.2.
Variant type: single nucleotide variant.
Coding change: c.494+9C>A on transcript NM_002063.4 (MANE Select); 9 bases into the intron after coding-DNA position 494, C replaced by A.
Molecular consequence: intron variant.
Genome position (GRCh38, 1-based): chrX:14,581,415, C>A. VCF-style: chrX-14581415-C-A. GRCh37 (hg19) VCF-style: chrX-14599537-C-A.
Other names: c.227+9C>A (NM_001171942.2); c.494+9C>A (NM_001118885.2, NM_001118886.2).
Identifiers: ClinVar variation 4885504 (VCV004885504.2).